The following is an entry in ClinVar:

NM_018010.4(IFT57):c.211A>T (p.Arg71Ter)

Gene: IFT57 (intraflagellar transport 57; minus strand). Cytogenetic location: 3q13.13.
Variant type: single nucleotide variant.
Coding change: c.211A>T on transcript NM_018010.4 (MANE Select); coding-DNA position 211, A replaced by T.
Protein change: p.Arg71Ter; replaces arginine 71 with a stop codon.
Molecular consequence: nonsense.
Genome position (GRCh38, 1-based): chr3:108,222,112, T>A on the plus strand (A>T on the coding strand, the complement: IFT57 is on the minus strand). VCF-style: chr3-108222112-T-A. GRCh37 (hg19) VCF-style: chr3-107940959-T-A.
Other names: short protein forms R71*.
Identifiers: ClinVar variation 4887979 (VCV004887979.1).

ClinVar aggregate classification (germline): Uncertain significance (1 of 4 stars; one submission).

Conditions:
Fetal anomalies with a likely genetic cause.

Submission:

Genetics Laboratory, Great Ormond Street Hospital NHS Foundation Trust, North Thames Genomic Laboratory Hub
Classification: Uncertain significance for Fetal anomalies with a likely genetic cause. Last evaluated: 2026-07-06. Review status: criteria provided, single submitter. Criteria: ACGS Best Practice Guidelines for Variant Classification in Rare Disease 2024 v1.2. Collection method: clinical testing. Allele origin: germline. Affected: yes.
Comment: PM2_moderate, PVS1_moderate